The following is an entry in ClinVar:

ClinVar aggregate classification (germline): Likely benign. Review status: criteria provided, multiple submitters, no conflicts (2 of 4 stars). 6 submissions from 6 submitters: Likely benign (6). Last evaluated 2026-08-19.

Conditions:
Inborn genetic diseases. Identifiers: MedGen C0950123, MeSH D030342.
NLRP1-related disorder. Also called: NLRP1-related condition.

Allele frequency attached by ClinVar (database versions not stated): 1000 Genomes Project 0.00080; 1000 Genomes Project 30x 0.00094; gnomAD 0.00096 and 0.00098; ExAC 0.00101; gnomAD exomes 0.00115 and 0.00131; TOPMed 0.00123; ESP Exome Variant Server 0.00161.
gnomAD v4.1: 2,048 of 1,614,114 alleles (0.13%); highest among the groups gnomAD compares: Admixed American, 0.31%; 6 homozygotes.

Submissions (6):

PreventionGenetics, part of Exact Sciences
Classification: Likely benign for NLRP1-related condition. Last evaluated: 2026-08-19. Review status: criteria provided, single submitter. Criteria: ACMG Guidelines, 2015. Collection method: clinical testing. Allele origin: germline.
Comment: This variant is classified as likely benign based on ACMG/AMP sequence variant interpretation guidelines (Richards et al. 2015 PMID: 25741868, with internal and published modifications).

Labcorp Genetics (formerly Invitae), Labcorp
Classification: Likely benign. Last evaluated: 2026-01-27. Review status: criteria provided, single submitter. Criteria: Invitae Variant Classification Sherloc (09022015). Collection method: clinical testing. Allele origin: germline.

CeGaT Center for Human Genetics Tuebingen
Classification: Likely benign. Last evaluated: 2026-01-01. Review status: criteria provided, single submitter. Criteria: CeGaT Center For Human Genetics Tuebingen Variant Classification Criteria Version 2. Collection method: clinical testing. Allele origin: germline. Affected: yes. Observed: 1 variant allele.
Comment: NLRP1: BP4

Blueprint Genetics
Classification: Likely benign. Last evaluated: 2024-11-14. Review status: criteria provided, single submitter. Criteria: ACMG Guidelines, 2015. Collection method: clinical testing. Allele origin: germline.

Ambry Genetics
Classification: Likely benign for Inborn genetic diseases. Last evaluated: 2024-01-16. Review status: criteria provided, single submitter. Criteria: Ambry Variant Classification Scheme 2023. Collection method: clinical testing. Allele origin: germline.

Breakthrough Genomics
Classification: Likely benign. Review status: criteria provided, single submitter. Criteria: ACMG Guidelines, 2015. Collection method: not provided. Allele origin: germline. Inheritance: Autosomal recessive inheritance. Affected: yes.

NM_033004.4(NLRP1):c.2407G>A (p.Val803Ile)

Gene: NLRP1 (NLR family pyrin domain containing 1; minus strand). Cytogenetic location: 17p13.2.
Variant type: single nucleotide variant.
Coding change: c.2407G>A on transcript NM_033004.4 (MANE Select); coding-DNA position 2407, G replaced by A.
Protein change: p.Val803Ile; replaces valine 803 with isoleucine.
Molecular consequence: missense variant.
Genome position (GRCh38, 1-based): chr17:5,553,507, C>T on the plus strand (G>A on the coding strand, the complement: NLRP1 is on the minus strand). VCF-style: chr17-5553507-C-T. GRCh37 (hg19) VCF-style: chr17-5456827-C-T.
Other names: c.2407G>A, p.Val803Ile (NM_001033053.3, NM_014922.5, NM_033006.4 and 1 more transcripts); short protein forms V803I.
Identifiers: ClinVar variation 730803 (VCV000730803.19), dbSNP rs143323772, ClinGen allele CA8327168.
Genomic context (GRCh38, chr17:5,553,507, plus strand): 5'-AGTGGCTCAGCGAGTTTCCACTTAGGTCCAGCTCCTTCAGGTTTCTGGTGACCTTGAGGA[C>T]GGAGAAGAGAATCTGCCAATAGGCATCTGTGACTGGGACCCACCTGAACCTGAGGGGGAG-3'
Protein context (NP_127497.1, residues 793-813): TDAYWQILFS[Val803Ile]LKVTRNLKEL